The following is an entry in ClinVar:

NM_004380.3(CREBBP):c.7265G>A (p.Ser2422Asn)

Gene: CREBBP (CREB binding lysine acetyltransferase; minus strand). Cytogenetic location: 16p13.3.
Variant type: single nucleotide variant.
Coding change: c.7265G>A on transcript NM_004380.3 (MANE Select); coding-DNA position 7265, G replaced by A.
Protein change: p.Ser2422Asn; replaces serine 2422 with asparagine.
Molecular consequence: missense variant.
Genome position (GRCh38, 1-based): chr16:3,727,782, C>T on the plus strand (G>A on the coding strand, the complement: CREBBP is on the minus strand). VCF-style: chr16-3727782-C-T. GRCh37 (hg19) VCF-style: chr16-3777783-C-T.
Other names: c.7151G>A, p.Ser2384Asn (NM_001079846.1); short protein forms S2422N, S2384N.
Identifiers: ClinVar variation 3496980 (VCV003496980.2).

ClinVar aggregate classification (germline): Uncertain significance. Review status: criteria provided, single submitter (1 of 4 stars). 2 submissions from 2 submitters: Uncertain significance (1). 1 of the submissions does not count toward it. Last evaluated 2024-08-05.

Conditions:
Inborn genetic diseases. Identifiers: MedGen C0950123, MeSH D030342.
Rubinstein-Taybi syndrome due to CREBBP mutations (RSTS1). Also called: BROAD THUMB-HALLUX SYNDROME; RUBINSTEIN SYNDROME; RUBINSTEIN-TAYBI SYNDROME 1, INCOMPLETE; Rubinstein-Taybi syndrome 1; BROAD THUMBS AND GREAT TOES, CHARACTERISTIC FACIES, AND IMPAIRED INTELLECTUAL DEVELOPMENT; CREBBP-Related Rubinstein-Taybi Syndrome. Identifiers: Orphanet 353277, Orphanet 783, MedGen C4551859, MONDO:0008393, OMIM 180849.

gnomAD v4.1: 2 of 1,614,206 alleles (0.00012%); highest among the groups gnomAD compares: Admixed American, 0.0017%; no homozygotes.

Submissions (2):

Ambry Genetics
Classification: Uncertain significance for Inborn genetic diseases. Last evaluated: 2024-08-05. Review status: criteria provided, single submitter. Criteria: Ambry Variant Classification Scheme 2023. Collection method: clinical testing. Allele origin: germline.

Hong-Tao Li Lab, Institute of Brain Science and Brain-inspired Research, Shandong First Medical University & Shandong Academy of Medical Sciences China
Classification: Uncertain significance for Rubinstein-Taybi syndrome due to CREBBP mutations. Review status: no assertion criteria provided. Collection method: research. Allele origin: germline. Inheritance: Autosomal dominant inheritance. Affected: yes. Observed: 1 variant allele, 1 heterozygote. Not counted in ClinVar's aggregate classification.
Comment: Observed in affected individuals from a Pakistani neurodevelopmental-disorder research cohort of 263 individuals. Classification assigned using the ACMG/AMP framework. Population-frequency evidence: gnomAD AF 3.977e-06.